The following is an entry in ClinVar:

NM_174934.4(SCN4B):c.62-1G>A

Genes: SCN4B (sodium voltage-gated channel beta subunit 4; minus strand), LOC130006838 (ATAC-STARR-seq lymphoblastoid active region 5583; plus strand). Cytogenetic location: 11q23.3.
Variant type: single nucleotide variant.
Coding change: c.62-1G>A on transcript NM_174934.4 (MANE Select); the canonical splice acceptor site of the intron before coding-DNA position 62, G replaced by A.
Molecular consequence: splice acceptor variant. On other transcripts: 5 prime UTR variant (1), non-coding transcript variant (1), intron variant (1).
Genome position (GRCh38, 1-based): chr11:118,145,230, C>T on the plus strand (G>A on the coding strand, the complement: SCN4B is on the minus strand). VCF-style: chr11-118145230-C-T. GRCh37 (hg19) VCF-style: chr11-118015945-C-T.
Other names: c.62-1G>A (NM_174934.3); c.-270G>A (NM_001142349.2); c.62-3894G>A (NM_001142348.2).
Identifiers: ClinVar variation 1040559 (VCV001040559.8), dbSNP rs950065814, ClinGen allele CA229489220.

ClinVar aggregate classification (germline): Uncertain significance. Review status: criteria provided, multiple submitters, no conflicts (2 of 4 stars). 2 submissions from 2 submitters: Uncertain significance (2). Last evaluated 2025-03-06.

Conditions:
Cardiovascular phenotype. Identifiers: MedGen CN230736.
Long QT syndrome 10 (LQT10). Identifiers: Orphanet 101016, Orphanet 768, MedGen C2678484, MONDO:0012737, OMIM 611819.

Allele frequency attached by ClinVar (database versions not stated): TOPMed below 0.00001; gnomAD 0.00001; gnomAD exomes 0.00001 and 0.00002.

Submissions (2):

Ambry Genetics
Classification: Uncertain significance for Cardiovascular phenotype. Last evaluated: 2025-03-06. Review status: criteria provided, single submitter. Criteria: Ambry Variant Classification Scheme 2023. Collection method: clinical testing. Allele origin: germline.
Comment: The c.62-1G>A intronic variant results from a G to A substitution one nucleotide upstream from coding exon 2 of the SCN4B gene. This nucleotide position is highly conserved in available vertebrate species. In silico splice site analysis predicts that this alteration will weaken the native splice acceptor site and may result in the creation or strengthening of a novel splice acceptor site. Alterations that disrupt the canonical splice site are expected to cause aberrant splicing, resulting in an abnormal protein or a transcript that is subject to nonsense-mediated mRNA decay. However, loss of function of SCN4B has not been established as a mechanism of disease. The evidence for this gene-disease relationship is limited; therefore, the clinical significance of this alteration is unclear.

Labcorp Genetics (formerly Invitae), Labcorp
Classification: Uncertain significance for Long QT syndrome 10. Last evaluated: 2024-07-30. Review status: criteria provided, single submitter. Criteria: Invitae Variant Classification Sherloc (09022015). Collection method: clinical testing. Allele origin: germline.
Comment: This sequence change affects an acceptor splice site in intron 1 of the SCN4B gene. It is expected to disrupt RNA splicing. Variants that disrupt the donor or acceptor splice site typically lead to a loss of protein function (PMID: 16199547), however the current clinical and genetic evidence is not sufficient to establish whether loss-of-function variants in SCN4B cause disease. This variant is present in population databases (no rsID available, gnomAD 0.05%), and has an allele count higher than expected for a pathogenic variant. This variant has not been reported in the literature in individuals affected with SCN4B-related conditions. ClinVar contains an entry for this variant (Variation ID: 1040559). Algorithms developed to predict the effect of sequence changes on RNA splicing suggest that this variant may disrupt the consensus splice site. In summary, the available evidence is currently insufficient to determine the role of this variant in disease. Therefore, it has been classified as a Variant of Uncertain Significance.

Literature cited by the submitters: PubMed 16199547 (cited by Labcorp Genetics (formerly Invitae), Labcorp).